The following is an entry in ClinVar:

ClinVar aggregate classification (germline): Pathogenic (1 of 4 stars; one submission).

Conditions:
Meckel-Gruber syndrome. Also called: GRUBER SYNDROME; DYSENCEPHALIA SPLANCHNOCYSTICA; Dysencephalia splachnocystica. Identifiers: Orphanet 564, MedGen C0265215, MONDO:0018921.
Joubert syndrome. Also called: Familial aplasia of the vermis; JOUBERT-BOLTSHAUSER SYNDROME; CEREBELLOPARENCHYMAL DISORDER IV. Identifiers: Orphanet 475, MedGen C5979921, MONDO:0018772.
Nephronophthisis. Also called: Juvenile Nephronophthisis. Identifiers: Orphanet 655, MedGen C0687120, MONDO:0019005, HP:0000090.

Submission:

Labcorp Genetics (formerly Invitae), Labcorp
Classification: Pathogenic for Joubert syndrome; Meckel-Gruber syndrome; Nephronophthisis. Last evaluated: 2025-10-06. Review status: criteria provided, single submitter. Criteria: Invitae Variant Classification Sherloc (09022015). Collection method: clinical testing. Allele origin: germline.
Comment: This sequence change creates a premature translational stop signal (p.Lys142Glufs*3) in the CEP290 gene. It is expected to result in an absent or disrupted protein product. Loss-of-function variants in CEP290 are known to be pathogenic (PMID: 16909394, 17345604, 20690115). This variant is present in population databases (no rsID available, gnomAD 0.0009%). This variant has not been reported in the literature in individuals affected with CEP290-related conditions. For these reasons, this variant has been classified as Pathogenic.

Literature cited by the submitters: PubMed 16909394; PubMed 17345604; PubMed 20690115.

NM_025114.4(CEP290):c.423_424del (p.Lys142fs)

Gene: CEP290 (centrosomal protein 290; minus strand). Cytogenetic location: 12q21.32.
Variant type: Microsatellite.
Coding change: c.423_424del on transcript NM_025114.4 (MANE Select); coding-DNA positions 423 to 424, 2 bases deleted (GA; older notation c.423_424delGA).
Protein change: p.Lys142fs; shifts the reading frame from lysine 142.
Molecular consequence: frameshift variant.
Genome position (GRCh38, 1-based): chr12:88,136,660-88,136,661, TC deleted on the plus strand (GA on the coding strand, the reverse complement: CEP290 is on the minus strand); deleting any 2 consecutive bases within chr12:88,136,660-88,136,664 gives the same sequence; the c. name uses the placement nearest the transcript's 3' end. VCF-style (leftmost placement, unchanged base first): chr12-88136659-TTC-T. GRCh37 (hg19) VCF-style: chr12-88530436-TTC-T.
Other names: short protein forms K142fs.
Identifiers: ClinVar variation 4788778 (VCV004788778.1).